The following is an entry in ClinVar:

NM_002300.8(LDHB):c.421+13A>G

Gene: LDHB (lactate dehydrogenase B; minus strand). Cytogenetic location: 12p12.1.
Variant type: single nucleotide variant.
Coding change: c.421+13A>G on transcript NM_002300.8 (MANE Select); 13 bases into the intron after coding-DNA position 421, A replaced by G.
Molecular consequence: intron variant.
Genome position (GRCh38, 1-based): chr12:21,643,922, T>C on the plus strand (A>G on the coding strand, the complement: LDHB is on the minus strand). VCF-style: chr12-21643922-T-C. GRCh37 (hg19) VCF-style: chr12-21796856-T-C.
Other names: c.421+13A>G (NM_001315537.2, NM_001174097.3).
Identifiers: ClinVar variation 882256 (VCV000882256.4), dbSNP rs76163762, ClinGen allele CA6480485.

ClinVar aggregate classification (germline): Benign (1 of 4 stars; one submission).

Conditions:
Glycogen storage disease due to lactate dehydrogenase H-subunit deficiency. Identifiers: Orphanet 284435, MedGen C3279904, MONDO:0013587, OMIM 614128.

Allele frequency attached by ClinVar (database versions not stated): gnomAD exomes 0.00058 and 0.00165; ExAC 0.00205; gnomAD 0.00698 and 0.00759; ESP Exome Variant Server 0.00738; 1000 Genomes Project 0.00819; 1000 Genomes Project 30x 0.00828; TOPMed 0.00829.
gnomAD v4.1: 1,942 of 1,575,246 alleles (0.12%); highest among the groups gnomAD compares: African/African-American, 2.2%; 18 homozygotes.

Submission:

Illumina Laboratory Services, Illumina
Classification: Benign for Glycogen storage disease due to lactate dehydrogenase H-subunit deficiency. Last evaluated: 2018-01-13. Review status: criteria provided, single submitter. Criteria: ICSL Variant Classification Criteria 13 December 2019. Collection method: clinical testing. Allele origin: germline.
Comment: This variant was observed in the ICSL laboratory as part of a predisposition screen in an ostensibly healthy population. It had not been previously curated by ICSL or reported in the Human Gene Mutation Database (HGMD: prior to June 1st, 2018), and was therefore a candidate for classification through an automated scoring system. Utilizing variant allele frequency, disease prevalence and penetrance estimates, and inheritance mode, an automated score was calculated to assess if this variant is too frequent to cause the disease. Based on the score and internal cut-off values, a variant classified as benign is not then subjected to further curation. The score for this variant resulted in a classification of benign for this disease.